The following is an entry in ClinVar:

ClinVar aggregate classification (germline): Likely benign. Review status: criteria provided, multiple submitters, no conflicts (2 of 4 stars). 5 submissions from 5 submitters: Likely benign (4). 1 of the submissions does not count toward it. Last evaluated 2025-11-04.

Conditions:
RIMS1-related disorder. Also called: RIMS1-related condition.
Cone-rod dystrophy 7 (CORD7). Identifiers: Orphanet 1872, MedGen C1863634, MONDO:0011355, OMIM 603649.

Allele frequency attached by ClinVar (database versions not stated): ExAC 0.00026; gnomAD exomes 0.00026 and 0.00020; gnomAD 0.00016; TOPMed 0.00023.
gnomAD v4.1: 384 of 1,532,770 alleles (0.025%); highest among the groups gnomAD compares: Non-Finnish European, 0.031%; no homozygotes.

Submissions (5):

Labcorp Genetics (formerly Invitae), Labcorp
Classification: Likely benign. Last evaluated: 2025-11-04. Review status: criteria provided, single submitter. Criteria: Invitae Variant Classification Sherloc (09022015). Collection method: clinical testing. Allele origin: germline.

Blueprint Genetics
Classification: Likely benign. Last evaluated: 2024-11-05. Review status: criteria provided, single submitter. Criteria: ACMG Guidelines, 2015. Collection method: clinical testing. Allele origin: germline.

CeGaT Center for Human Genetics Tuebingen
Classification: Likely benign. Last evaluated: 2023-02-01. Review status: criteria provided, single submitter. Criteria: CeGaT Center For Human Genetics Tuebingen Variant Classification Criteria Version 2. Collection method: clinical testing. Allele origin: germline. Affected: yes. Observed: 1 variant allele.
Comment: RIMS1: BP4, BP7

Illumina Laboratory Services, Illumina
Classification: Likely benign for Cone-rod dystrophy 7. Last evaluated: 2018-01-12. Review status: criteria provided, single submitter. Criteria: ICSL Variant Classification Criteria 13 December 2019. Collection method: clinical testing. Allele origin: germline.
Comment: This variant was observed in the ICSL laboratory as part of a predisposition screen in an ostensibly healthy population. It had not been previously curated by ICSL or reported in the Human Gene Mutation Database (HGMD: prior to June 1st, 2018), and was therefore a candidate for classification through an automated scoring system. Utilizing variant allele frequency, disease prevalence and penetrance estimates, and inheritance mode, an automated score was calculated to assess if this variant is too frequent to cause the disease. Based on the score and internal cut-off values, a variant classified as likely benign is not then subjected to further curation. The score for this variant resulted in a classification of likely benign for this disease.

PreventionGenetics, part of Exact Sciences
Classification: Likely benign for RIMS1-related condition. Last evaluated: 2020-07-20. Review status: no assertion criteria provided. Collection method: clinical testing. Allele origin: germline. Not counted in ClinVar's aggregate classification.
Comment: This variant is classified as likely benign based on ACMG/AMP sequence variant interpretation guidelines (Richards et al. 2015 PMID: 25741868, with internal and published modifications).

NM_014989.7(RIMS1):c.798A>G (p.Glu266=)

Gene: RIMS1 (regulating synaptic membrane exocytosis 1; plus strand). Cytogenetic location: 6q13.
Variant type: single nucleotide variant.
Coding change: c.798A>G on transcript NM_014989.7 (MANE Select); coding-DNA position 798, A replaced by G.
Protein change: p.Glu266=; no amino-acid change (glutamic acid 266 retained).
Molecular consequence: synonymous variant.
Genome position (GRCh38, 1-based): chr6:72,179,901, A>G. VCF-style: chr6-72179901-A-G. GRCh37 (hg19) VCF-style: chr6-72889604-A-G.
Identifiers: ClinVar variation 740717 (VCV000740717.40), dbSNP rs755868505, ClinGen allele CA3885585.